The following is an entry in ClinVar:

NM_000179.3(MSH6):c.2888G>A (p.Gly963Asp)

Gene: MSH6 (mutS homolog 6; plus strand). Cytogenetic location: 2p16.3.
Variant type: single nucleotide variant.
Coding change: c.2888G>A on transcript NM_000179.3 (MANE Select); coding-DNA position 2888, G replaced by A.
Protein change: p.Gly963Asp; replaces glycine 963 with aspartic acid.
Molecular consequence: missense variant. On other transcripts: non-coding transcript variant (5), intron variant (2).
Genome position (GRCh38, 1-based): chr2:47,800,871, G>A. VCF-style: chr2-47800871-G-A. GRCh37 (hg19) VCF-style: chr2-48028010-G-A.
Other names: c.2498G>A, p.Gly833Asp (NM_001281492.2); c.1982G>A, p.Gly661Asp (NM_001281493.2, NM_001281494.2, NM_001406811.1 and 6 more transcripts); c.2984G>A, p.Gly995Asp (NM_001406795.1, NM_001406802.1); c.2888G>A, p.Gly963Asp (NM_001406796.1, NM_001406798.1, NM_001406800.1 and 2 more transcripts); c.2591G>A, p.Gly864Asp (NM_001406797.1, NM_001406805.1, NM_001406801.1 and 10 more transcripts); c.2363G>A, p.Gly788Asp (NM_001406806.1, NM_001406807.1, NM_001406799.1); c.2810G>A, p.Gly937Asp (NM_001406804.1); c.2894G>A, p.Gly965Asp (NM_001406813.1); and 4 more; short protein forms G788D, G907D, G965D, G278D, G661D, G864D, G937D, G995D.
Identifiers: ClinVar variation 2773656 (VCV002773656.2), dbSNP rs2104428908, ClinGen allele CA346756054.

ClinVar aggregate classification (germline): Uncertain significance (1 of 4 stars; one submission).

Conditions:
Hereditary cancer-predisposing syndrome. Also called: Hereditary neoplastic syndrome; Hereditary Cancer Syndrome; Neoplastic Syndromes, Hereditary; Tumor predisposition. Identifiers: Orphanet 140162, MedGen C0027672, MeSH D009386, MONDO:0015356.

Submission:

Color Diagnostics, LLC DBA Color Health
Classification: Uncertain significance for Hereditary cancer-predisposing syndrome. Last evaluated: 2023-02-17. Review status: criteria provided, single submitter. Criteria: ACMG Guidelines, 2015. Collection method: clinical testing. Allele origin: germline.
Comment: This missense variant replaces glycine with aspartic acid at codon 963 of the MSH6 protein. Computational prediction suggests that this variant may have deleterious impact on protein structure and function (internally defined REVEL score threshold >= 0.7, PMID: 27666373). To our knowledge, functional studies have not been reported for this variant. This variant has not been reported in individuals affected with MSH6-related disorders in the literature. This variant has not been identified in the general population by the Genome Aggregation Database (gnomAD). The available evidence is insufficient to determine the role of this variant in disease conclusively. Therefore, this variant is classified as a Variant of Uncertain Significance.